The following is an entry in ClinVar:

NM_001129.5(AEBP1):c.1691A>C (p.His564Pro)

Gene: AEBP1 (AE binding protein 1; plus strand). Cytogenetic location: 7p13.
Variant type: single nucleotide variant.
Coding change: c.1691A>C on transcript NM_001129.5 (MANE Select); coding-DNA position 1691, A replaced by C.
Protein change: p.His564Pro; replaces histidine 564 with proline.
Molecular consequence: missense variant.
Genome position (GRCh38, 1-based): chr7:44,111,214, A>C. VCF-style: chr7-44111214-A-C. GRCh37 (hg19) VCF-style: chr7-44150813-A-C.
Other names: p.His564Pro; short protein forms H564P.
Identifiers: ClinVar variation 4541280 (VCV004541280.1).

ClinVar aggregate classification (germline): Uncertain significance (1 of 4 stars; one submission).

Submission:

Mayo Clinic Laboratories, Mayo Clinic
Classification: Uncertain significance. Last evaluated: 2025-02-21. Review status: criteria provided, single submitter. Criteria: ACMG Guidelines, 2015. Collection method: clinical testing. Allele origin: germline. Observed: 1 variant allele.
Comment: PM2_supporting